The following is an entry in ClinVar:

NM_001378454.1(ALMS1):c.2969A>G (p.Gln990Arg)

Gene: ALMS1 (ALMS1 centrosome and basal body associated protein; plus strand). Cytogenetic location: 2p13.1.
Variant type: single nucleotide variant.
Coding change: c.2969A>G on transcript NM_001378454.1 (MANE Select); coding-DNA position 2969, A replaced by G.
Protein change: p.Gln990Arg; replaces glutamine 990 with arginine.
Molecular consequence: missense variant.
Genome position (GRCh38, 1-based): chr2:73,449,496, A>G. VCF-style: chr2-73449496-A-G. GRCh37 (hg19) VCF-style: chr2-73676623-A-G.
Other names: c.2972A>G, p.Gln991Arg (NM_015120.4); short protein forms Q990R, Q991R.
Identifiers: ClinVar variation 1798297 (VCV001798297.29), dbSNP rs200575541, ClinGen allele CA1713441.

ClinVar aggregate classification (germline): Conflicting classifications of pathogenicity. Review status: criteria provided, conflicting classifications (1 of 4 stars). 5 submissions from 5 submitters: Uncertain significance (4); Likely benign (1). Last evaluated 2025-12-12.

Conditions:
Alstrom syndrome (ALMS). Identifiers: Orphanet 64, MedGen C0268425, MONDO:0008763, OMIM 203800.
Cardiovascular phenotype. Identifiers: MedGen CN230736.

Allele frequency attached by ClinVar (database versions not stated): gnomAD 0.00006; ExAC 0.00007; TOPMed 0.00007; ESP Exome Variant Server 0.00008.
gnomAD v4.1: 79 of 1,613,994 alleles (0.0049%); highest among the groups gnomAD compares: Non-Finnish European, 0.0014%; no homozygotes.

Submissions (5):

GeneDx
Classification: Uncertain significance. Last evaluated: 2025-12-12. Review status: criteria provided, single submitter. Criteria: GeneDx Variant Classification Process June 2021. Collection method: clinical testing. Allele origin: germline.
Comment: In silico analysis suggests that this missense variant does not alter protein structure/function; Has not been previously published as pathogenic or benign to our knowledge

Blueprint Genetics
Classification: Uncertain significance. Last evaluated: 2024-03-07. Review status: criteria provided, single submitter. Criteria: ACMG Guidelines, 2015. Collection method: clinical testing. Allele origin: germline.

CeGaT Center for Human Genetics Tuebingen
Classification: Uncertain significance. Last evaluated: 2024-01-01. Review status: criteria provided, single submitter. Criteria: CeGaT Center For Human Genetics Tuebingen Variant Classification Criteria Version 2. Collection method: clinical testing. Allele origin: germline. Affected: yes. Observed: 1 variant allele.
Comment: ALMS1: PM2, BP4

Ambry Genetics
Classification: Likely benign for Cardiovascular phenotype. Last evaluated: 2023-12-15. Review status: criteria provided, single submitter. Criteria: Ambry Variant Classification Scheme 2023. Collection method: clinical testing. Allele origin: germline.

Labcorp Genetics (formerly Invitae), Labcorp
Classification: Uncertain significance for Alstrom syndrome. Last evaluated: 2022-09-27. Review status: criteria provided, single submitter. Criteria: Invitae Variant Classification Sherloc (09022015). Collection method: clinical testing. Allele origin: germline.
Comment: This sequence change replaces glutamine, which is neutral and polar, with arginine, which is basic and polar, at codon 991 of the ALMS1 protein (p.Gln991Arg). This variant is present in population databases (rs200575541, gnomAD 0.1%). This variant has not been reported in the literature in individuals affected with ALMS1-related conditions. Experimental studies and prediction algorithms are not available or were not evaluated, and the functional significance of this variant is currently unknown. In summary, the available evidence is currently insufficient to determine the role of this variant in disease. Therefore, it has been classified as a Variant of Uncertain Significance.